The following is an entry in ClinVar:

ClinVar aggregate classification (germline): Likely pathogenic. Review status: criteria provided, multiple submitters, no conflicts (2 of 4 stars). 2 submissions from 2 submitters: Likely pathogenic (2). Last evaluated 2024-05-22.

Conditions:
Autosomal recessive limb-girdle muscular dystrophy type 2B (LGMDR2). Also called: MUSCULAR DYSTROPHY, LIMB-GIRDLE, TYPE 3; Limb-girdle muscular dystrophy, type 2B; MUSCULAR DYSTROPHY, LIMB-GIRDLE, AUTOSOMAL RECESSIVE 2; Limb-Girdle Muscular Dystrophy Type 2B (LGMD2B). Identifiers: Orphanet 268, MedGen C1850889, MONDO:0009676, OMIM 253601.
Miyoshi muscular dystrophy 1 (MMD1). Identifiers: Orphanet 45448, MedGen C4551973, MONDO:0024545, OMIM 254130.

Allele frequency attached by ClinVar (database versions not stated): gnomAD exomes below 0.00001.
gnomAD v4.1: 1 of 1,614,020 alleles (0.000062%); highest among the groups gnomAD compares: Non-Finnish European, 0.000085%; no homozygotes.

Submissions (2):

Natera, Inc.
Classification: Likely pathogenic for Limb-girdle muscular dystrophy type 2B. Last evaluated: 2024-05-22. Review status: criteria provided, single submitter. Criteria: Natera Variant Classification Schema (03/2026). Collection method: clinical testing. Allele origin: germline.
Comment: The c.906+1G>A variant in DYSF is a canonical splice donor site variant predicted to affect pre-mRNA splicing, which may result in an abnormal transcript and altered protein product. This variant is expected to result in nonsense mediated decay, truncation, or a dysfunctional protein product. This variant is rare in the general population with a frequency below the threshold expected for the associated phenotype(s). Given the available evidence, this variant is classified as Likely Pathogenic.

Baylor Genetics
Classification: Likely pathogenic for Miyoshi muscular dystrophy 1. Last evaluated: 2023-08-23. Review status: criteria provided, single submitter. Criteria: ACMG Guidelines, 2015. Collection method: clinical testing. Allele origin: unknown.

NM_001130987.2(DYSF):c.1002+1G>A

Gene: DYSF (dysferlin; plus strand). Cytogenetic location: 2p13.2.
Variant type: single nucleotide variant.
Coding change: c.1002+1G>A on transcript NM_001130987.2 (MANE Select); the canonical splice donor site of the intron after coding-DNA position 1002, G replaced by A.
Molecular consequence: splice donor variant.
Genome position (GRCh38, 1-based): chr2:71,517,040, G>A. VCF-style: chr2-71517040-G-A. GRCh37 (hg19) VCF-style: chr2-71744170-G-A.
Other names: c.999+1G>A (NM_001130979.2, NM_001130981.2, NM_001130980.2); c.906+1G>A (NM_001130978.2, NM_003494.4, NM_001130977.2 and 2 more transcripts); c.1002+1G>A (NM_001130982.2, NM_001130985.2); c.909+1G>A (NM_001130983.2, NM_001130455.2, NM_001130984.2 and 1 more transcripts).
Identifiers: ClinVar variation 2674970 (VCV002674970.2), dbSNP rs2545428157, ClinGen allele CA347210332.